The following is an entry in ClinVar:

ClinVar aggregate classification (germline): Uncertain significance. Review status: criteria provided, multiple submitters, no conflicts (2 of 4 stars). 3 submissions from 3 submitters: Uncertain significance (3). Last evaluated 2026-04-10.

Conditions:
Exostoses, multiple, type 2 (EXT2). Also called: EXOSTOSES, MULTIPLE, TYPE II; Hereditary Multiple Osteochondromatosis, Type II. Identifiers: Orphanet 321, MedGen C1851413, MONDO:0007586, OMIM 133701.
Inborn genetic diseases. Identifiers: MedGen C0950123, MeSH D030342.

Allele frequency attached by ClinVar (database versions not stated): ExAC 0.00001.
gnomAD v4.1: 15 of 1,613,822 alleles (0.00093%); highest among the groups gnomAD compares: South Asian, 0.0099%; no homozygotes.

Submissions (3):

GeneDx
Classification: Uncertain significance. Last evaluated: 2026-04-10. Review status: criteria provided, single submitter. Criteria: GeneDx Variant Classification Process June 2021. Collection method: clinical testing. Allele origin: germline.
Comment: In silico analysis supports that this missense variant has a deleterious effect on protein structure/function; Has not been previously published as pathogenic or benign to our knowledge

Labcorp Genetics (formerly Invitae), Labcorp
Classification: Uncertain significance for Exostoses, multiple, type 2. Last evaluated: 2024-05-23. Review status: criteria provided, single submitter. Criteria: Invitae Variant Classification Sherloc (09022015). Collection method: clinical testing. Allele origin: germline.
Comment: This sequence change replaces aspartic acid, which is acidic and polar, with asparagine, which is neutral and polar, at codon 158 of the EXT2 protein (p.Asp158Asn). This variant is present in population databases (rs768999889, gnomAD 0.02%). This variant has not been reported in the literature in individuals affected with EXT2-related conditions. ClinVar contains an entry for this variant (Variation ID: 2190756). Advanced modeling of protein sequence and biophysical properties (such as structural, functional, and spatial information, amino acid conservation, physicochemical variation, residue mobility, and thermodynamic stability) performed at Invitae indicates that this missense variant is expected to disrupt EXT2 protein function with a positive predictive value of 80%. In summary, the available evidence is currently insufficient to determine the role of this variant in disease. Therefore, it has been classified as a Variant of Uncertain Significance.

Ambry Genetics
Classification: Uncertain significance for Inborn genetic diseases. Last evaluated: 2022-12-28. Review status: criteria provided, single submitter. Criteria: Ambry Variant Classification Scheme 2023. Collection method: clinical testing. Allele origin: germline.

NM_207122.2(EXT2):c.472G>A (p.Asp158Asn)

Gene: EXT2 (exostosin glycosyltransferase 2; plus strand). Cytogenetic location: 11p11.2.
Variant type: single nucleotide variant.
Coding change: c.472G>A on transcript NM_207122.2 (MANE Select); coding-DNA position 472, G replaced by A.
Protein change: p.Asp158Asn; replaces aspartic acid 158 with asparagine.
Molecular consequence: missense variant.
Genome position (GRCh38, 1-based): chr11:44,108,184, G>A. VCF-style: chr11-44108184-G-A. GRCh37 (hg19) VCF-style: chr11-44129734-G-A.
Other names: c.571G>A, p.Asp191Asn (NM_000401.3); c.472G>A, p.Asp158Asn (NM_001178083.3, NM_001389628.1, NM_001389630.1); short protein forms D158N, D191N.
Identifiers: ClinVar variation 2190756 (VCV002190756.6), dbSNP rs768999889, ClinGen allele CA5954895.
Genomic context (GRCh38, chr11:44,108,184, plus strand): 5'-TCAGACAGTGACTACTACACTGATGACATCAACCGGGCCTGTCTGTTTGTTCCCTCCATC[G>A]ATGTGCTTAACCAGAACACACTGCGCATCAAGGAGACAGCACAAGCGATGGCCCAGCTCT-3'
Protein context (NP_997005.1, residues 148-168): NRACLFVPSI[Asp158Asn]VLNQNTLRIK